The following is an entry in ClinVar:

NM_001375905.1(SGMS2):c.658T>A (p.Leu220Ile)

Genes: CYP2U1-AS1 (CYP2U1 and SGMS2 antisense RNA 1; minus strand), SGMS2 (sphingomyelin synthase 2; plus strand). Cytogenetic location: 4q25.
Variant type: single nucleotide variant.
Coding change: c.658T>A on transcript NM_001375905.1 (MANE Select); coding-DNA position 658, T replaced by A.
Protein change: p.Leu220Ile; replaces leucine 220 with isoleucine.
Molecular consequence: missense variant.
Genome position (GRCh38, 1-based): chr4:107,903,317, T>A. VCF-style: chr4-107903317-T-A. GRCh37 (hg19) VCF-style: chr4-108824473-T-A.
Other names: c.658T>A, p.Leu220Ile (NM_001375908.1, NM_001375910.1, NM_152621.6 and 4 more transcripts); c.139T>A, p.Leu47Ile (NM_001375911.1); short protein forms L47I, L220I.
Identifiers: ClinVar variation 2964217 (VCV002964217.3), dbSNP rs777860637, ClinGen allele CA3036829.

ClinVar aggregate classification (germline): Uncertain significance (1 of 4 stars; one submission).

Allele frequency attached by ClinVar (database versions not stated): gnomAD exomes below 0.00001; ExAC 0.00001.
gnomAD v4.1: 3 of 1,613,702 alleles (0.00019%); highest among the groups gnomAD compares: Non-Finnish European, 0.00025%; no homozygotes.

Submission:

Labcorp Genetics (formerly Invitae), Labcorp
Classification: Uncertain significance. Last evaluated: 2023-11-17. Review status: criteria provided, single submitter. Criteria: Invitae Variant Classification Sherloc (09022015). Collection method: clinical testing. Allele origin: germline.
Comment: This sequence change replaces leucine, which is neutral and non-polar, with isoleucine, which is neutral and non-polar, at codon 220 of the SGMS2 protein (p.Leu220Ile). This variant is present in population databases (rs777860637, gnomAD 0.002%). This variant has not been reported in the literature in individuals affected with SGMS2-related conditions. Advanced modeling of protein sequence and biophysical properties (such as structural, functional, and spatial information, amino acid conservation, physicochemical variation, residue mobility, and thermodynamic stability) performed at Invitae indicates that this missense variant is not expected to disrupt SGMS2 protein function with a negative predictive value of 80%. In summary, the available evidence is currently insufficient to determine the role of this variant in disease. Therefore, it has been classified as a Variant of Uncertain Significance.